The following is an entry in ClinVar:

NM_001008537.3(NEXMIF):c.4305C>A (p.Ser1435Arg)

Gene: NEXMIF (neurite extension and migration factor; minus strand). Cytogenetic location: Xq13.3.
Variant type: single nucleotide variant.
Coding change: c.4305C>A on transcript NM_001008537.3 (MANE Select); coding-DNA position 4305, C replaced by A.
Protein change: p.Ser1435Arg; replaces serine 1435 with arginine.
Molecular consequence: missense variant.
Genome position (GRCh38, 1-based): chrX:74,740,252, G>T on the plus strand (C>A on the coding strand, the complement: NEXMIF is on the minus strand). VCF-style: chrX-74740252-G-T. GRCh37 (hg19) VCF-style: chrX-73960087-G-T.
Other names: short protein forms S1435R.
Identifiers: ClinVar variation 3900426 (VCV003900426.2).
Genomic context (GRCh38, chrX:74,740,252, plus strand): 5'-CTTGGAGCTGGATTTGTGACGATACAACTTTTTGTGTGTCGGTCCGTTATTGCCTAAAGT[G>T]CTCATGTTACTATACTTTTTATCAAAGAAGGTAGAGCGAGAGTCCTCGTTATAACCAGGC-3'
Protein context (NP_001008537.1, residues 1425-1445): TFFDKKYSNM[Ser1435Arg]TLGNNGPTHK

ClinVar aggregate classification (germline): Uncertain significance. Review status: criteria provided, multiple submitters, no conflicts (2 of 4 stars). 2 submissions from 2 submitters: Uncertain significance (2). Last evaluated 2025-03-29.

Submissions (2):

Labcorp Genetics (formerly Invitae), Labcorp
Classification: Uncertain significance. Last evaluated: 2025-03-29. Review status: criteria provided, single submitter. Criteria: Invitae Variant Classification Sherloc (09022015). Collection method: clinical testing. Allele origin: germline.
Comment: This sequence change replaces serine, which is neutral and polar, with arginine, which is basic and polar, at codon 1435 of the NEXMIF protein (p.Ser1435Arg). This variant is not present in population databases (gnomAD no frequency). This variant has not been reported in the literature in individuals affected with NEXMIF-related conditions. An algorithm developed to predict the effect of missense changes on protein structure and function (PolyPhen-2) suggests that this variant is likely to be disruptive. In summary, the available evidence is currently insufficient to determine the role of this variant in disease. Therefore, it has been classified as a Variant of Uncertain Significance.

GeneDx
Classification: Uncertain significance. Last evaluated: 2024-11-18. Review status: criteria provided, single submitter. Criteria: GeneDx Variant Classification Process June 2021. Collection method: clinical testing. Allele origin: germline. Affected: yes.
Comment: Not observed at significant frequency in large population cohorts (gnomAD); In silico analysis supports that this missense variant has a deleterious effect on protein structure/function; Has not been previously published as pathogenic or benign to our knowledge